The following is an entry in ClinVar:

ClinVar aggregate classification (germline): Likely benign. Review status: criteria provided, multiple submitters, no conflicts (2 of 4 stars). 4 submissions from 4 submitters: Likely benign (4). Last evaluated 2026-03-12.

Conditions:
Cardiomyopathy (CMYO). Also called: Cardiomyopathies. Identifiers: Orphanet 167848, MedGen C0878544, MONDO:0004994, HP:0001638. Inheritance: Various modes of inheritance.
Cardiovascular phenotype. Identifiers: MedGen CN230736.
Arrhythmogenic right ventricular cardiomyopathy (ARVD). Also called: Cardiomyopathy, ARVC; Arrhythmogenic right ventricular dysplasia; Arrhythmogenic cardiomyopathy; Arrhythmogenic Right Ventricular Cardiomyopathy (ARVC). Identifiers: Orphanet 247, MedGen C0349788, MeSH D019571, MONDO:0016587. Disease mechanism: loss of function. Inheritance: Various modes of inheritance.
Arrhythmogenic right ventricular dysplasia 9 (ARVD9). Also called: Arrhythmogenic Right Ventricular Dysplasia/Cardiomyopathy 9; ARRHYTHMOGENIC RIGHT VENTRICULAR DYSPLASIA, FAMILIAL, 9. Identifiers: MedGen C1836906, MONDO:0012180, OMIM 609040.

Allele frequency attached by ClinVar (database versions not stated): gnomAD exomes below 0.00001 and 0.00001; ExAC 0.00001; gnomAD 0.00001.

Submissions (4):

Ambry Genetics
Classification: Likely benign for Cardiovascular phenotype. Last evaluated: 2026-03-12. Review status: criteria provided, single submitter. Criteria: Ambry Variant Classification Scheme 2023. Collection method: clinical testing. Allele origin: germline.

Labcorp Genetics (formerly Invitae), Labcorp
Classification: Likely benign for Arrhythmogenic right ventricular dysplasia 9. Last evaluated: 2024-04-15. Review status: criteria provided, single submitter. Criteria: Invitae Variant Classification Sherloc (09022015). Collection method: clinical testing. Allele origin: germline.

All of Us Research Program, National Institutes of Health
Classification: Likely benign for Arrhythmogenic right ventricular cardiomyopathy. Last evaluated: 2023-04-28. Review status: criteria provided, single submitter. Criteria: ACMG Guidelines, 2015. Collection method: clinical testing. Allele origin: germline. Inheritance: Autosomal dominant inheritance. Observed: 1 variant allele, 1 heterozygote.
Comment: This study involves interpretation of variants in research participants for the purpose of population health screening. Participant phenotype was not available at the time of variant classification. Additional details can be found in publication PMID: 35346344, PMCID: PMC8962531

Color Diagnostics, LLC DBA Color Health
Classification: Likely benign for Cardiomyopathy. Last evaluated: 2023-04-19. Review status: criteria provided, single submitter. Criteria: ACMG Guidelines, 2015. Collection method: clinical testing. Allele origin: germline.

NM_001005242.3(PKP2):c.1419T>C (p.Asn473=)

Gene: PKP2 (plakophilin 2; minus strand). Cytogenetic location: 12p11.21.
Variant type: single nucleotide variant.
Coding change: c.1419T>C on transcript NM_001005242.3 (MANE Select); coding-DNA position 1419, T replaced by C.
Protein change: p.Asn473=; no amino-acid change (asparagine 473 retained).
Molecular consequence: synonymous variant.
Genome position (GRCh38, 1-based): chr12:32,841,165, A>G on the plus strand (T>C on the coding strand, the complement: PKP2 is on the minus strand). VCF-style: chr12-32841165-A-G. GRCh37 (hg19) VCF-style: chr12-32994099-A-G.
Other names: c.1551T>C (NM_004572.3); c.1551T>C, p.Asn517= (NM_004572.4).
Identifiers: ClinVar variation 1567483 (VCV001567483.11), dbSNP rs757126132, ClinGen allele CA029242.